The following is an entry in ClinVar:

ClinVar aggregate classification (germline): Likely benign. Review status: criteria provided, single submitter (1 of 4 stars). 2 submissions from 2 submitters: Likely benign (1). 1 of the submissions does not count toward it. Last evaluated 2022-07-01.

Conditions:
RPH3A-related condition.

Allele frequency attached by ClinVar (database versions not stated): 1000 Genomes Project 0.00120; 1000 Genomes Project 30x 0.00125; ExAC 0.00219; TOPMed 0.00236; gnomAD 0.00237; ESP Exome Variant Server 0.00238.
gnomAD v4.1: 5,380 of 1,613,562 alleles (0.33%); highest among the groups gnomAD compares: Non-Finnish European, 0.43%; 16 homozygotes.

Submissions (2):

CeGaT Center for Human Genetics Tuebingen
Classification: Likely benign. Last evaluated: 2022-07-01. Review status: criteria provided, single submitter. Criteria: CeGaT Center For Human Genetics Tuebingen Variant Classification Criteria Version 2. Collection method: clinical testing. Allele origin: germline. Affected: yes. Observed: 2 variant alleles.
Comment: RPH3A: BP4, BP7

PreventionGenetics, part of Exact Sciences
Classification: Likely benign for RPH3A-related condition. Last evaluated: 2024-07-23. Review status: no assertion criteria provided. Collection method: clinical testing. Allele origin: germline. Not counted in ClinVar's aggregate classification.
Comment: This variant is classified as likely benign based on ACMG/AMP sequence variant interpretation guidelines (Richards et al. 2015 PMID: 25741868, with internal and published modifications).

NM_001143854.2(RPH3A):c.1584C>T (p.Thr528=)

Gene: RPH3A (rabphilin 3A; plus strand). Cytogenetic location: 12q24.13.
Variant type: single nucleotide variant.
Coding change: c.1584C>T on transcript NM_001143854.2 (MANE Select); coding-DNA position 1584, C replaced by T.
Protein change: p.Thr528=; no amino-acid change (threonine 528 retained).
Molecular consequence: synonymous variant. On other transcripts: non-coding transcript variant (2).
Genome position (GRCh38, 1-based): chr12:112,890,044, C>T. VCF-style: chr12-112890044-C-T. GRCh37 (hg19) VCF-style: chr12-113327849-C-T.
Other names: c.1584C>T, p.Thr528= (NM_001347952.2, NM_001347953.1, NM_001347954.2); c.1383C>T, p.Thr461= (NM_001347955.2); c.1572C>T, p.Thr524= (NM_014954.4); c.1584C>T (NM_001347952.1).
Identifiers: ClinVar variation 2643344 (VCV002643344.24), dbSNP rs138056234, ClinGen allele CA6799495.